The following is an entry in ClinVar:

NM_003901.4(SGPL1):c.938A>G (p.His313Arg)

Gene: SGPL1 (sphingosine-1-phosphate lyase 1; plus strand). Cytogenetic location: 10q22.1.
Variant type: single nucleotide variant.
Coding change: c.938A>G on transcript NM_003901.4 (MANE Select); coding-DNA position 938, A replaced by G.
Protein change: p.His313Arg; replaces histidine 313 with arginine.
Molecular consequence: missense variant.
Genome position (GRCh38, 1-based): chr10:70,871,865, A>G. VCF-style: chr10-70871865-A-G. GRCh37 (hg19) VCF-style: chr10-72631622-A-G.
Other names: short protein forms H313R.
Identifiers: ClinVar variation 2027604 (VCV002027604.3), dbSNP rs2492800706, ClinGen allele CA377123585.
Genomic context (GRCh38, chr10:70,871,865, plus strand): 5'-ATTCTCTTATGTTCTTTGTTTTTTGGAACAAGCTGGCTGTCAAATACAAAATACCCCTTC[A>G]TGTCGACGCTTGTCTGGGAGGCTTCCTCATCGTCTTTATGGAGAAAGCAGGATACCCACT-3'
Protein context (NP_003892.2, residues 303-323): KLAVKYKIPL[His313Arg]VDACLGGFLI

ClinVar aggregate classification (germline): Uncertain significance (1 of 4 stars; one submission).

Allele frequency attached by ClinVar (database versions not stated): gnomAD exomes below 0.00001.
gnomAD v4.1: 3 of 1,614,044 alleles (0.00019%); highest among the groups gnomAD compares: Non-Finnish European, 0.00025%; no homozygotes.

Submission:

Labcorp Genetics (formerly Invitae), Labcorp
Classification: Uncertain significance. Last evaluated: 2022-03-15. Review status: criteria provided, single submitter. Criteria: Invitae Variant Classification Sherloc (09022015). Collection method: clinical testing. Allele origin: germline.
Comment: In summary, the available evidence is currently insufficient to determine the role of this variant in disease. Therefore, it has been classified as a Variant of Uncertain Significance. Algorithms developed to predict the effect of missense changes on protein structure and function (SIFT, PolyPhen-2, Align-GVGD) all suggest that this variant is likely to be disruptive. This variant has not been reported in the literature in individuals affected with SGPL1-related conditions. This variant is not present in population databases (gnomAD no frequency). This sequence change replaces histidine, which is basic and polar, with arginine, which is basic and polar, at codon 313 of the SGPL1 protein (p.His313Arg).